The following is an entry in ClinVar:

ClinVar aggregate classification (germline): Uncertain significance. Review status: criteria provided, multiple submitters, no conflicts (2 of 4 stars). 2 submissions from 2 submitters: Uncertain significance (2). Last evaluated 2025-08-07.

Conditions:
Hypoplastic left heart syndrome. Also called: Hypoplastic left heart; Hypoplastic left ventricle. Identifiers: Orphanet 2248, MedGen C0152101, MONDO:0004933, HP:0004383.

gnomAD v4.1: 1 of 1,614,116 alleles (0.000062%); highest among the groups gnomAD compares: Admixed American, 0.0017%; no homozygotes.

Submissions (2):

Ambry Genetics
Classification: Uncertain significance. Last evaluated: 2025-08-07. Review status: criteria provided, single submitter. Criteria: Ambry Variant Classification Scheme 2023. Collection method: clinical testing. Allele origin: germline.

Labcorp Genetics (formerly Invitae), Labcorp
Classification: Uncertain significance for Hypoplastic left heart syndrome. Last evaluated: 2023-04-19. Review status: criteria provided, single submitter. Criteria: Invitae Variant Classification Sherloc (09022015). Collection method: clinical testing. Allele origin: germline.
Comment: This variant is not present in population databases (gnomAD no frequency). This variant has not been reported in the literature in individuals affected with HAND1-related conditions. An algorithm developed to predict the effect of missense changes on protein structure and function (PolyPhen-2) suggests that this variant is likely to be disruptive. In summary, the available evidence is currently insufficient to determine the role of this variant in disease. Therefore, it has been classified as a Variant of Uncertain Significance. This sequence change replaces proline, which is neutral and non-polar, with arginine, which is basic and polar, at codon 125 of the HAND1 protein (p.Pro125Arg).

NM_004821.3(HAND1):c.374C>G (p.Pro125Arg)

Gene: HAND1 (heart and neural crest derivatives expressed 1; minus strand). Cytogenetic location: 5q33.2.
Variant type: single nucleotide variant.
Coding change: c.374C>G on transcript NM_004821.3 (MANE Select); coding-DNA position 374, C replaced by G.
Protein change: p.Pro125Arg; replaces proline 125 with arginine.
Molecular consequence: missense variant.
Genome position (GRCh38, 1-based): chr5:154,477,635, G>C on the plus strand (C>G on the coding strand, the complement: HAND1 is on the minus strand). VCF-style: chr5-154477635-G-C. GRCh37 (hg19) VCF-style: chr5-153857195-G-C.
Other names: c.374C>G (NM_004821.2); short protein forms P125R.
Identifiers: ClinVar variation 2857569 (VCV002857569.4), dbSNP rs1405443403, ClinGen allele CA361922396.